The following is an entry in ClinVar:

NM_015512.5(DNAH1):c.1723G>A (p.Asp575Asn)

Gene: DNAH1 (dynein axonemal heavy chain 1; plus strand). Cytogenetic location: 3p21.1.
Variant type: single nucleotide variant.
Coding change: c.1723G>A on transcript NM_015512.5 (MANE Select); coding-DNA position 1723, G replaced by A.
Protein change: p.Asp575Asn; replaces aspartic acid 575 with asparagine.
Molecular consequence: missense variant.
Genome position (GRCh38, 1-based): chr3:52,346,538, G>A. VCF-style: chr3-52346538-G-A. GRCh37 (hg19) VCF-style: chr3-52380554-G-A.
Other names: c.1723G>A (NM_015512.4); short protein forms D575N.
Identifiers: ClinVar variation 1502549 (VCV001502549.9), dbSNP rs1024573062, ClinGen allele CA74737454.

ClinVar aggregate classification (germline): Uncertain significance. Review status: criteria provided, multiple submitters, no conflicts (2 of 4 stars). 2 submissions from 2 submitters: Uncertain significance (2). Last evaluated 2022-12-01.

Conditions:
Primary ciliary dyskinesia. Also called: Ciliary dyskinesia. Identifiers: Orphanet 244, MedGen C0008780, MONDO:0016575, HP:0012265.
Spermatogenic failure 18. Identifiers: MedGen C4539783, MONDO:0054615, OMIM 617576.
Ciliary dyskinesia, primary, 37 (CILD37). Also called: CILIARY DYSKINESIA, PRIMARY, 37, WITH OR WITHOUT SITUS INVERSUS. Identifiers: MedGen C4539798, MONDO:0033204, OMIM 617577.

Allele frequency attached by ClinVar (database versions not stated): gnomAD 0.00001; TOPMed 0.00002; gnomAD exomes 0.00001.
gnomAD v4.1: 12 of 1,613,832 alleles (0.00074%); highest among the groups gnomAD compares: East Asian, 0.0022%; no homozygotes.

Submissions (2):

Molecular Genetics McLendon Clinical Laboratories, University of North Carolina at Chapel Hill
Classification: Uncertain significance for Primary ciliary dyskinesia. Last evaluated: 2022-12-01. Review status: criteria provided, single submitter. Criteria: ACMG Guidelines, 2015. Collection method: clinical testing. Allele origin: germline.

Labcorp Genetics (formerly Invitae), Labcorp
Classification: Uncertain significance for Ciliary dyskinesia, primary, 37; Spermatogenic failure 18. Last evaluated: 2021-06-23. Review status: criteria provided, single submitter. Criteria: Invitae Variant Classification Sherloc (09022015). Collection method: clinical testing. Allele origin: germline.
Comment: This sequence change replaces aspartic acid with asparagine at codon 575 of the DNAH1 protein (p.Asp575Asn). The aspartic acid residue is highly conserved and there is a small physicochemical difference between aspartic acid and asparagine. This variant is not present in population databases (ExAC no frequency). This variant has not been reported in the literature in individuals affected with DNAH1-related conditions. Advanced modeling of protein sequence and biophysical properties (such as structural, functional, and spatial information, amino acid conservation, physicochemical variation, residue mobility, and thermodynamic stability) performed at Invitae indicates that this missense variant is expected to disrupt DNAH1 protein function. In summary, the available evidence is currently insufficient to determine the role of this variant in disease. Therefore, it has been classified as a Variant of Uncertain Significance.